The following is an entry in ClinVar:

NM_001126108.2(SLC12A3):c.1435G>A (p.Val479Ile)

Gene: SLC12A3 (solute carrier family 12 member 3; plus strand). Cytogenetic location: 16q13.
Variant type: single nucleotide variant.
Coding change: c.1435G>A on transcript NM_001126108.2 (MANE Select); coding-DNA position 1435, G replaced by A.
Protein change: p.Val479Ile; replaces valine 479 with isoleucine.
Molecular consequence: missense variant.
Genome position (GRCh38, 1-based): chr16:56,879,641, G>A. VCF-style: chr16-56879641-G-A. GRCh37 (hg19) VCF-style: chr16-56913553-G-A.
Other names: c.1435G>A, p.Val479Ile (NM_000339.3); c.1432G>A, p.Val478Ile (NM_001126107.2, NM_001410896.1); c.1435G>A (NM_000339.2); short protein forms V478I, V479I.
Identifiers: ClinVar variation 2161049 (VCV002161049.5), dbSNP rs1442875187, ClinGen allele CA395987839.

ClinVar aggregate classification (germline): Uncertain significance. Review status: criteria provided, multiple submitters, no conflicts (2 of 4 stars). 2 submissions from 2 submitters: Uncertain significance (2). Last evaluated 2025-08-18.

Conditions:
Inborn genetic diseases. Identifiers: MedGen C0950123, MeSH D030342.

Allele frequency attached by ClinVar (database versions not stated): gnomAD exomes 0.00001; TOPMed 0.00002.
gnomAD v4.1: 6 of 1,612,464 alleles (0.00037%); highest among the groups gnomAD compares: Non-Finnish European, 0.00051%; no homozygotes.

Submissions (2):

Labcorp Genetics (formerly Invitae), Labcorp
Classification: Uncertain significance. Last evaluated: 2025-08-18. Review status: criteria provided, single submitter. Criteria: Invitae Variant Classification Sherloc (09022015). Collection method: clinical testing. Allele origin: germline.
Comment: This sequence change replaces valine, which is neutral and non-polar, with isoleucine, which is neutral and non-polar, at codon 479 of the SLC12A3 protein (p.Val479Ile). This variant is present in population databases (no rsID available, gnomAD 0.002%). This variant has not been reported in the literature in individuals affected with SLC12A3-related conditions. ClinVar contains an entry for this variant (Variation ID: 2161049). Invitae Evidence Modeling of protein sequence and biophysical properties (such as structural, functional, and spatial information, amino acid conservation, physicochemical variation, residue mobility, and thermodynamic stability) indicates that this missense variant is not expected to disrupt SLC12A3 protein function with a negative predictive value of 95%. In summary, the available evidence is currently insufficient to determine the role of this variant in disease. Therefore, it has been classified as a Variant of Uncertain Significance.

Ambry Genetics
Classification: Uncertain significance for Inborn genetic diseases. Last evaluated: 2024-09-06. Review status: criteria provided, single submitter. Criteria: Ambry Variant Classification Scheme 2023. Collection method: clinical testing. Allele origin: germline.